The following is an entry in ClinVar:

ClinVar aggregate classification (germline): Uncertain significance (1 of 4 stars; one submission).

Conditions:
Transcobalamin II deficiency (TCN2D). Also called: Transcolabamin II deficiency; TC II DEFICIENCY; TCN2 DEFICIENCY. Identifiers: Orphanet 859, MedGen C0342701, MONDO:0010149, OMIM 275350.

Submission:

Labcorp Genetics (formerly Invitae), Labcorp
Classification: Uncertain significance for Transcobalamin II deficiency. Last evaluated: 2022-01-13. Review status: criteria provided, single submitter. Criteria: Invitae Variant Classification Sherloc (09022015). Collection method: clinical testing. Allele origin: germline.
Comment: This variant has not been reported in the literature in individuals affected with TCN2-related conditions. Algorithms developed to predict the effect of missense changes on protein structure and function are either unavailable or do not agree on the potential impact of this missense change (SIFT: "Tolerated"; PolyPhen-2: "Probably Damaging"; Align-GVGD: "Class C0"). In summary, the available evidence is currently insufficient to determine the role of this variant in disease. Therefore, it has been classified as a Variant of Uncertain Significance. This sequence change replaces glutamine, which is neutral and polar, with histidine, which is basic and polar, at codon 81 of the TCN2 protein (p.Gln81His). This variant is not present in population databases (gnomAD no frequency).

NM_000355.4(TCN2):c.243G>T (p.Gln81His)

Gene: TCN2 (transcobalamin 2; plus strand). Cytogenetic location: 22q12.2.
Variant type: single nucleotide variant.
Coding change: c.243G>T on transcript NM_000355.4 (MANE Select); coding-DNA position 243, G replaced by T.
Protein change: p.Gln81His; replaces glutamine 81 with histidine.
Molecular consequence: missense variant.
Genome position (GRCh38, 1-based): chr22:30,611,049, G>T. VCF-style: chr22-30611049-G-T. GRCh37 (hg19) VCF-style: chr22-31007036-G-T.
Other names: c.243G>T, p.Gln81His (NM_001184726.2); short protein forms Q81H.
Identifiers: ClinVar variation 1355463 (VCV001355463.6), dbSNP rs2087532682, ClinGen allele CA411206505.